The following is an entry in ClinVar:

ClinVar aggregate classification (germline): Uncertain significance. Review status: criteria provided, multiple submitters, no conflicts (2 of 4 stars). 2 submissions from 2 submitters: Uncertain significance (2). Last evaluated 2025-03-08.

Conditions:
Inborn genetic diseases. Identifiers: MedGen C0950123, MeSH D030342.
Cowden syndrome (CS). Also called: Cowden's disease; Cowden's syndrome; Cowden disease. Identifiers: Orphanet 201, MedGen C0018553, MONDO:0016063. Disease mechanism: gain of function.

Submissions (2):

Ambry Genetics
Classification: Uncertain significance for Inborn genetic diseases. Last evaluated: 2025-03-08. Review status: criteria provided, single submitter. Criteria: Ambry Variant Classification Scheme 2023. Collection method: clinical testing. Allele origin: germline.
Comment: The p.I221V variant (also known as c.661A>G), located in coding exon 3 of the PIK3CA gene, results from an A to G substitution at nucleotide position 661. The isoleucine at codon 221 is replaced by valine, an amino acid with highly similar properties. This amino acid position is conserved. In addition, this alteration is predicted to be tolerated by in silico analysis. Based on the available evidence, the clinical significance of this variant remains unclear.

Labcorp Genetics (formerly Invitae), Labcorp
Classification: Uncertain significance for Cowden syndrome. Last evaluated: 2020-08-27. Review status: criteria provided, single submitter. Criteria: Invitae Variant Classification Sherloc (09022015). Collection method: clinical testing. Allele origin: germline.
Comment: In summary, the available evidence is currently insufficient to determine the role of this variant in disease. Therefore, it has been classified as a Variant of Uncertain Significance. Algorithms developed to predict the effect of missense changes on protein structure and function are either unavailable or do not agree on the potential impact of this missense change (SIFT: "Tolerated"; PolyPhen-2: "Possibly Damaging"; Align-GVGD: "Class C15"). This variant has not been reported in the literature in individuals with PIK3CA-related conditions. This variant is not present in population databases (ExAC no frequency). This sequence change replaces isoleucine with valine at codon 221 of the PIK3CA protein (p.Ile221Val). The isoleucine residue is highly conserved and there is a small physicochemical difference between isoleucine and valine.

NM_006218.4(PIK3CA):c.661A>G (p.Ile221Val)

Gene: PIK3CA (phosphatidylinositol-4,5-bisphosphate 3-kinase catalytic subunit alpha; plus strand). Cytogenetic location: 3q26.32.
Variant type: single nucleotide variant.
Coding change: c.661A>G on transcript NM_006218.4 (MANE Select); coding-DNA position 661, A replaced by G.
Protein change: p.Ile221Val; replaces isoleucine 221 with valine.
Molecular consequence: missense variant.
Genome position (GRCh38, 1-based): chr3:179,201,388, A>G. VCF-style: chr3-179201388-A-G. GRCh37 (hg19) VCF-style: chr3-178919176-A-G.
Other names: c.661A>G (NM_006218.2); short protein forms I221V.
Identifiers: ClinVar variation 1014981 (VCV001014981.10), dbSNP rs1724405654, ClinGen allele CA355276768.